The following is an entry in ClinVar:

NM_000059.4(BRCA2):c.8052A>T (p.Lys2684Asn)

Gene: BRCA2 (BRCA2 DNA repair associated; plus strand). Cytogenetic location: 13q13.1.
Variant type: single nucleotide variant.
Coding change: c.8052A>T on transcript NM_000059.4 (MANE Select); coding-DNA position 8052, A replaced by T.
Protein change: p.Lys2684Asn; replaces lysine 2684 with asparagine.
Molecular consequence: missense variant. On other transcripts: non-coding transcript variant (1).
Genome position (GRCh38, 1-based): chr13:32,363,254, A>T. VCF-style: chr13-32363254-A-T. GRCh37 (hg19) VCF-style: chr13-32937391-A-T.
Other names: c.7956A>T, p.Lys2652Asn (NM_001406719.1); c.8052A>T, p.Lys2684Asn (NM_001406720.1); c.3120A>T, p.Lys1040Asn (NM_001406721.1); c.1635A>T, p.Lys545Asn (NM_001406722.1); short protein forms K1040N, K2684N, K545N, K2652N.
Identifiers: ClinVar variation 2858732 (VCV002858732.3), dbSNP rs2137580284, ClinGen allele CA387749076.
Genomic context (GRCh38, chr13:32,363,254, plus strand): 5'-TGATAGAAGCAGAAGATCGGCTATAAAAAAGATAATGGAAAGGGATGACACAGCTGCAAA[A>T]ACACTTGTTCTCTGTGTTTCTGACATAATTTCATTGAGCGCAAATATATCTGAAACTTCT-3'
Protein context (NP_000050.3, residues 2674-2694): KIMERDDTAA[Lys2684Asn]TLVLCVSDII

ClinVar aggregate classification (germline): Uncertain significance (1 of 4 stars; one submission).

Conditions:
Hereditary breast ovarian cancer syndrome. Also called: Hereditary breast and ovarian cancer syndrome (HBOC); Hereditary breast and ovarian cancer syndrome; Hereditary breast and/or ovarian cancer syndrome; Hereditary breast and ovarian cancer; Breast and ovarian cancer; BRCA1- and BRCA2-Associated Hereditary Breast and Ovarian Cancer. Identifiers: Orphanet 145, MedGen C0677776, MeSH D061325, MONDO:0003582. Disease mechanism: loss of function.

Submission:

Labcorp Genetics (formerly Invitae), Labcorp
Classification: Uncertain significance for Hereditary breast ovarian cancer syndrome. Last evaluated: 2024-04-08. Review status: criteria provided, single submitter. Criteria: Invitae Variant Classification Sherloc (09022015). Collection method: clinical testing. Allele origin: germline.
Comment: This sequence change replaces lysine, which is basic and polar, with asparagine, which is neutral and polar, at codon 2684 of the BRCA2 protein (p.Lys2684Asn). This variant is not present in population databases (gnomAD no frequency). This variant has not been reported in the literature in individuals affected with BRCA2-related conditions. Advanced modeling of protein sequence and biophysical properties (such as structural, functional, and spatial information, amino acid conservation, physicochemical variation, residue mobility, and thermodynamic stability) performed at Invitae indicates that this missense variant is not expected to disrupt BRCA2 protein function with a negative predictive value of 95%. In summary, the available evidence is currently insufficient to determine the role of this variant in disease. Therefore, it has been classified as a Variant of Uncertain Significance.